The following is an entry in ClinVar:

ClinVar aggregate classification (germline): Uncertain significance (1 of 4 stars; one submission).

Submission:

Labcorp Genetics (formerly Invitae), Labcorp
Classification: Uncertain significance. Last evaluated: 2024-03-19. Review status: criteria provided, single submitter. Criteria: Invitae Variant Classification Sherloc (09022015). Collection method: clinical testing. Allele origin: germline.
Comment: This sequence change disrupts the translational stop signal of the SNRNP200 mRNA. It is expected to extend the length of the SNRNP200 protein by 16 additional amino acid residues. This variant is not present in population databases (gnomAD no frequency). This variant has not been reported in the literature in individuals affected with SNRNP200-related conditions. ClinVar contains an entry for this variant (Variation ID: 1408911). In summary, the available evidence is currently insufficient to determine the role of this variant in disease. Therefore, it has been classified as a Variant of Uncertain Significance.

NM_014014.5(SNRNP200):c.6410G>C (p.Ter2137Ser)

Gene: SNRNP200 (small nuclear ribonucleoprotein U5 subunit 200; minus strand). Cytogenetic location: 2q11.2.
Variant type: single nucleotide variant.
Coding change: c.6410G>C on transcript NM_014014.5 (MANE Select); coding-DNA position 6410, G replaced by C.
Protein change: p.Ter2137Ser.
Molecular consequence: stop lost.
Genome position (GRCh38, 1-based): chr2:96,275,013, C>G on the plus strand (G>C on the coding strand, the complement: SNRNP200 is on the minus strand). VCF-style: chr2-96275013-C-G. GRCh37 (hg19) VCF-style: chr2-96940751-C-G.
Identifiers: ClinVar variation 1408911 (VCV001408911.6), dbSNP rs2104326981, ClinGen allele CA347653803.
Genomic context (GRCh38, chr2:96,275,013, plus strand): 5'-TGTACACATTCCTAATTCAGGCTCAACTCTCCTTTACCCAAAAGTAAATGCCTCAGGACT[C>G]AATCTGAATCACTGTCTGTCTCAGCTTCTTTCACATCCACGCTGAATTTGTACTCCTGGT-3'